The following is an entry in ClinVar:

ClinVar aggregate classification (germline): Uncertain significance (1 of 4 stars; one submission).

Conditions:
Pitt-Hopkins-like syndrome 2 (PTHSL2). Identifiers: Orphanet 221150, Orphanet 600663, MedGen C3280479, MONDO:0013690, OMIM 614325.

Allele frequency attached by ClinVar (database versions not stated): gnomAD exomes below 0.00001.
gnomAD v4.1: 4 of 1,612,016 alleles (0.00025%); highest among the groups gnomAD compares: Non-Finnish European, 0.00034%; no homozygotes.

Submission:

Labcorp Genetics (formerly Invitae), Labcorp
Classification: Uncertain significance for Pitt-Hopkins-like syndrome 2. Last evaluated: 2022-07-24. Review status: criteria provided, single submitter. Criteria: Invitae Variant Classification Sherloc (09022015). Collection method: clinical testing. Allele origin: germline.
Comment: In summary, the available evidence is currently insufficient to determine the role of this variant in disease. Therefore, it has been classified as a Variant of Uncertain Significance. Algorithms developed to predict the effect of missense changes on protein structure and function (SIFT, PolyPhen-2, Align-GVGD) all suggest that this variant is likely to be tolerated. This variant has not been reported in the literature in individuals affected with NRXN1-related conditions. This variant is not present in population databases (gnomAD no frequency). This sequence change replaces isoleucine, which is neutral and non-polar, with leucine, which is neutral and non-polar, at codon 130 of the NRXN1 protein (p.Ile130Leu).

NM_001330078.2(NRXN1):c.388A>C (p.Ile130Leu)

Gene: NRXN1 (neurexin 1; minus strand). Cytogenetic location: 2p16.3.
Variant type: single nucleotide variant.
Coding change: c.388A>C on transcript NM_001330078.2 (MANE Select); coding-DNA position 388, A replaced by C.
Protein change: p.Ile130Leu; replaces isoleucine 130 with leucine.
Molecular consequence: missense variant.
Genome position (GRCh38, 1-based): chr2:51,027,886, T>G on the plus strand (A>C on the coding strand, the complement: NRXN1 is on the minus strand). VCF-style: chr2-51027886-T-G. GRCh37 (hg19) VCF-style: chr2-51255024-T-G.
Other names: c.388A>C, p.Ile130Leu (NM_001135659.3, NM_001330077.2, NM_001330079.2 and 15 more transcripts); short protein forms I130L.
Identifiers: ClinVar variation 1713700 (VCV001713700.5), dbSNP rs2468078394, ClinGen allele CA346824110.